The following is an entry in ClinVar:

ClinVar aggregate classification (germline): Likely benign. Review status: criteria provided, single submitter (1 of 4 stars). 2 submissions from 2 submitters: Likely benign (1). 1 of the submissions does not count toward it. Last evaluated 2025-09-27.

Conditions:
IFT172-related disorder. Also called: IFT172-related disorders; IFT172-related condition.
Short-rib thoracic dysplasia 10 with or without polydactyly (SRTD10). Identifiers: Orphanet 474, MedGen C3810175, MONDO:0014284, OMIM 615630.
Retinitis pigmentosa 71 (RP71). Identifiers: Orphanet 791, MedGen C4225342, MONDO:0014618, OMIM 616394.

Submissions (2):

Labcorp Genetics (formerly Invitae), Labcorp
Classification: Likely benign for Retinitis pigmentosa 71; Short-rib thoracic dysplasia 10 with or without polydactyly. Last evaluated: 2025-09-27. Review status: criteria provided, single submitter. Criteria: Invitae Variant Classification Sherloc (09022015). Collection method: clinical testing. Allele origin: germline.

PreventionGenetics, part of Exact Sciences
Classification: Likely benign for IFT172-related condition. Last evaluated: 2019-03-26. Review status: no assertion criteria provided. Collection method: clinical testing. Allele origin: germline. Not counted in ClinVar's aggregate classification.
Comment: This variant is classified as likely benign based on ACMG/AMP sequence variant interpretation guidelines (Richards et al. 2015 PMID: 25741868, with internal and published modifications).

NM_015662.3(IFT172):c.2539T>C (p.Leu847=)

Genes: IFT172 (intraflagellar transport 172; minus strand), LOC126806174 (CDK7 strongly-dependent group 2 enhancer GRCh37_chr2:27681686-27682885; plus strand). Cytogenetic location: 2p23.3.
Variant type: single nucleotide variant.
Coding change: c.2539T>C on transcript NM_015662.3 (MANE Select); coding-DNA position 2539, T replaced by C.
Protein change: p.Leu847=; no amino-acid change (leucine 847 retained).
Molecular consequence: synonymous variant.
Genome position (GRCh38, 1-based): chr2:27,459,812, A>G on the plus strand (T>C on the coding strand, the complement: IFT172 is on the minus strand). VCF-style: chr2-27459812-A-G. GRCh37 (hg19) VCF-style: chr2-27682679-A-G.
Other names: c.2473T>C, p.Leu825= (NM_001410739.1).
Identifiers: ClinVar variation 3356621 (VCV003356621.2).
Genomic context (GRCh38, chr2:27,459,812, plus strand): 5'-GCTGCACCAGGTGGTCCCCCCATGCCTCCTCTAGTTTCACCACCTCCACTGGGAAGGCCA[A>G]TCGAGCCAGCTCTACCGCTGCCAGGGAGAGAAAAGATGCTCAGCCCAGATTTCCAGGGAT-3'
Protein context (NP_056477.1, residues 837-857): AFMKAVELAR[Leu847=]AFPVEVVKLE